The following is an entry in ClinVar:

ClinVar aggregate classification (germline): Conflicting classifications of pathogenicity. Review status: criteria provided, conflicting classifications (1 of 4 stars). 2 submissions from 2 submitters: Uncertain significance (1); Likely benign (1). Last evaluated 2024-04-12.

Conditions:
Hereditary nonpolyposis colorectal neoplasms. Identifiers: MedGen C0009405, MeSH D003123.
Hereditary cancer-predisposing syndrome. Also called: Neoplastic Syndromes, Hereditary; Tumor predisposition; Hereditary Cancer Syndrome; Hereditary neoplastic syndrome. Identifiers: Orphanet 140162, MedGen C0027672, MeSH D009386, MONDO:0015356.

Submissions (2):

Labcorp Genetics (formerly Invitae), Labcorp
Classification: Likely benign for Hereditary nonpolyposis colorectal neoplasms. Last evaluated: 2024-04-12. Review status: criteria provided, single submitter. Criteria: Invitae Variant Classification Sherloc (09022015). Collection method: clinical testing. Allele origin: germline.

Ambry Genetics
Classification: Uncertain significance for Hereditary cancer-predisposing syndrome. Last evaluated: 2021-09-03. Review status: criteria provided, single submitter. Criteria: Ambry Variant Classification Scheme 2023. Collection method: clinical testing. Allele origin: germline.
Comment: The c.4002-7_4002-3delTTTTA intronic variant, located in intron 9 of the MSH6 gene, results from a deletion of 5 nucleotides within intron 9 of the MSH6 gene. These nucleotide positions are well conserved in available vertebrate species. In silico splice site analysis predicts that this alteration may weaken the native splice acceptor site. Since supporting evidence is limited at this time, the clinical significance of this alteration remains unclear.

NM_000179.3(MSH6):c.4002-7_4002-3del

Gene: MSH6 (mutS homolog 6; plus strand). Cytogenetic location: 2p16.3.
Variant type: Deletion.
Coding change: c.4002-7_4002-3del on transcript NM_000179.3 (MANE Select); 7 bases into the intron before coding-DNA position 4002 through 3 bases into the intron before coding-DNA position 4002, 5 bases deleted (TTTTA; older notation c.4002-7_4002-3delTTTTA).
Molecular consequence: intron variant.
Genome position (GRCh38, 1-based): chr2:47,806,772-47,806,776, TTTTA deleted; deleting any 5 consecutive bases within chr2:47,806,771-47,806,776 gives the same sequence; the c. name uses the placement nearest the transcript's 3' end. VCF-style (leftmost placement, unchanged base first): chr2-47806770-AATTTT-A. GRCh37 (hg19) VCF-style: chr2-48033909-AATTTT-A.
Other names: c.3096-7_3096-3del (NM_001281493.2, NM_001281494.2); c.3612-7_3612-3del (NM_001281492.2).
Identifiers: ClinVar variation 1736943 (VCV001736943.4), dbSNP rs2530889823, ClinGen allele CA2580067584.
Genomic context (GRCh38, chr2:47,806,770, plus strand): 5'-TAAAAGGGGAAGGGATGATGCACTATGAAAAAACAAAAAAACTTTTTTTTTTTTTTTTTT[AATTTT>A]AAGGGAAGTTTGCCTGGCTAGTGAAAGGTCAACTGTAGATGCTGAAGCTGTCCATAAATT-3'